The following is an entry in ClinVar:

ClinVar aggregate classification (germline): Uncertain significance (1 of 4 stars; one submission).

Conditions:
Cardiovascular phenotype. Identifiers: MedGen CN230736.

Allele frequency attached by ClinVar (database versions not stated): gnomAD exomes below 0.00001.
gnomAD v4.1: 1 of 1,608,456 alleles (0.000062%); highest among the groups gnomAD compares: South Asian, 0.0011%; no homozygotes.

Submission:

Ambry Genetics
Classification: Uncertain significance for Cardiovascular phenotype. Last evaluated: 2022-12-01. Review status: criteria provided, single submitter. Criteria: Ambry Variant Classification Scheme 2023. Collection method: clinical testing. Allele origin: germline.
Comment: The p.H965R variant (also known as c.2894A>G), located in coding exon 26 of the ANK2 gene, results from an A to G substitution at nucleotide position 2894. The histidine at codon 965 is replaced by arginine, an amino acid with highly similar properties. This amino acid position is conserved. In addition, this alteration is predicted to be deleterious by in silico analysis. Since supporting evidence is limited at this time, the clinical significance of this alteration remains unclear.

NM_001148.6(ANK2):c.2894A>G (p.His965Arg)

Gene: ANK2 (ankyrin 2; plus strand). Cytogenetic location: 4q26.
Variant type: single nucleotide variant.
Coding change: c.2894A>G on transcript NM_001148.6 (MANE Select); coding-DNA position 2894, A replaced by G.
Protein change: p.His965Arg; replaces histidine 965 with arginine.
Molecular consequence: missense variant.
Genome position (GRCh38, 1-based): chr4:113,318,614, A>G. VCF-style: chr4-113318614-A-G. GRCh37 (hg19) VCF-style: chr4-114239770-A-G.
Other names: c.2831A>G, p.His944Arg (NM_001127493.3, NM_001354243.2, NM_001354255.2 and 3 more transcripts); c.2906A>G, p.His969Arg (NM_001354225.2); c.2894A>G, p.His965Arg (NM_001354228.2, NM_001354232.2, NM_001354258.2 and 1 more transcripts); c.2936A>G, p.His979Arg (NM_001354230.2, NM_001354231.2, NM_001354237.2 and 1 more transcripts); c.2891A>G, p.His964Arg (NM_001354235.2, NM_001354236.2, NM_001354246.2 and 1 more transcripts); c.2828A>G, p.His943Arg (NM_001354239.2, NM_001354244.2, NM_001354252.2 and 3 more transcripts); c.2939A>G, p.His980Arg (NM_001354240.2, NM_001354241.2, NM_001386144.1); c.2795A>G, p.His932Arg (NM_001354245.2, NM_001354268.2); and 17 more; short protein forms H870R, H931R, H951R, H964R, H979R, H1000R, H837R, H911R.
Identifiers: ClinVar variation 2450628 (VCV002450628.2), dbSNP rs2500194814, ClinGen allele CA357932081.